The following is an entry in ClinVar:

NM_005732.4(RAD50):c.406A>G (p.Ile136Val)

Gene: RAD50 (RAD50 double strand break repair protein; plus strand). Cytogenetic location: 5q31.1.
Variant type: single nucleotide variant.
Coding change: c.406A>G on transcript NM_005732.4 (MANE Select); coding-DNA position 406, A replaced by G.
Protein change: p.Ile136Val; replaces isoleucine 136 with valine.
Molecular consequence: missense variant.
Genome position (GRCh38, 1-based): chr5:132,579,357, A>G. VCF-style: chr5-132579357-A-G. GRCh37 (hg19) VCF-style: chr5-131915049-A-G.
Other names: short protein forms I136V.
Identifiers: ClinVar variation 824563 (VCV000824563.4), dbSNP rs1580987139, ClinGen allele CA360933680.

ClinVar aggregate classification (germline): Uncertain significance (1 of 4 stars; one submission).

Conditions:
Hereditary cancer-predisposing syndrome. Also called: Neoplastic Syndromes, Hereditary; Tumor predisposition; Hereditary neoplastic syndrome; Hereditary Cancer Syndrome. Identifiers: Orphanet 140162, MedGen C0027672, MeSH D009386, MONDO:0015356.

Submission:

Ambry Genetics
Classification: Uncertain significance for Hereditary cancer-predisposing syndrome. Last evaluated: 2019-05-29. Review status: criteria provided, single submitter. Criteria: Ambry Variant Classification Scheme 2023. Collection method: clinical testing. Allele origin: germline.
Comment: The p.I136V variant (also known as c.406A>G), located in coding exon 4 of the RAD50 gene, results from an A to G substitution at nucleotide position 406. The isoleucine at codon 136 is replaced by valine, an amino acid with highly similar properties. This amino acid position is well conserved in available vertebrate species. In addition, this alteration is predicted to be tolerated by in silico analysis. Since supporting evidence is limited at this time, the clinical significance of this alteration remains unclear.